The following is an entry in ClinVar:

ClinVar aggregate classification (germline): Likely benign. Review status: criteria provided, multiple submitters, no conflicts (2 of 4 stars). 2 submissions from 2 submitters: Likely benign (2). Last evaluated 2025-07-24.

Allele frequency attached by ClinVar (database versions not stated): ExAC 0.00002; gnomAD exomes 0.00002; gnomAD 0.00003; TOPMed 0.00005; 1000 Genomes Project 30x 0.00016; 1000 Genomes Project 0.00020.
gnomAD v4.1: 30 of 1,613,958 alleles (0.0019%); highest among the groups gnomAD compares: East Asian, 0.02%; no homozygotes.

Submissions (2):

Mayo Clinic Laboratories, Mayo Clinic
Classification: Likely benign. Last evaluated: 2025-07-24. Review status: criteria provided, single submitter. Criteria: ACMG Guidelines, 2015. Collection method: clinical testing. Allele origin: germline. Observed: 1 variant allele.
Comment: BP4, BP7

Labcorp Genetics (formerly Invitae), Labcorp
Classification: Likely benign. Last evaluated: 2025-06-12. Review status: criteria provided, single submitter. Criteria: Invitae Variant Classification Sherloc (09022015). Collection method: clinical testing. Allele origin: germline.

NM_005245.4(FAT1):c.6198C>T (p.Val2066=)

Gene: FAT1 (FAT atypical cadherin 1; minus strand). Cytogenetic location: 4q35.2.
Variant type: single nucleotide variant.
Coding change: c.6198C>T on transcript NM_005245.4 (MANE Select); coding-DNA position 6198, C replaced by T.
Protein change: p.Val2066=; no amino-acid change (valine 2066 retained).
Molecular consequence: synonymous variant.
Genome position (GRCh38, 1-based): chr4:186,620,388, G>A on the plus strand (C>T on the coding strand, the complement: FAT1 is on the minus strand). VCF-style: chr4-186620388-G-A. GRCh37 (hg19) VCF-style: chr4-187541542-G-A.
Other names: p.Val2066=.
Identifiers: ClinVar variation 1932596 (VCV001932596.6), dbSNP rs151185143, ClinGen allele CA3166293.